The following is an entry in ClinVar:

NM_003242.6(TGFBR2):c.1143G>C (p.Lys381Asn)

Gene: TGFBR2 (transforming growth factor beta receptor 2; plus strand). Cytogenetic location: 3p24.1.
Variant type: single nucleotide variant.
Coding change: c.1143G>C on transcript NM_003242.6 (MANE Select); coding-DNA position 1143, G replaced by C.
Protein change: p.Lys381Asn; replaces lysine 381 with asparagine.
Molecular consequence: missense variant.
Genome position (GRCh38, 1-based): chr3:30,672,326, G>C. VCF-style: chr3-30672326-G-C. GRCh37 (hg19) VCF-style: chr3-30713818-G-C.
Other names: c.1218G>C, p.Lys406Asn (NM_001024847.3); c.1326G>C, p.Lys442Asn (NM_001407126.1); c.1251G>C, p.Lys417Asn (NM_001407127.1); c.1170G>C, p.Lys390Asn (NM_001407128.1); c.1146G>C, p.Lys382Asn (NM_001407129.1); c.1143G>C, p.Lys381Asn (NM_001407130.1); c.1038G>C, p.Lys346Asn (NM_001407132.1, NM_001407133.1, NM_001407134.1 and 2 more transcripts); c.858G>C, p.Lys286Asn (NM_001407137.1); and 1 more; short protein forms K381N, K261N, K346N, K286N, K382N, K390N, K406N, K417N.
Identifiers: ClinVar variation 1731921 (VCV001731921.3), dbSNP rs2125436535, ClinGen allele CA351808630.

ClinVar aggregate classification (germline): Uncertain significance (1 of 4 stars; one submission).

Conditions:
Familial thoracic aortic aneurysm and aortic dissection (TAAD). Also called: Thoracic aortic aneurysms and dissections. Identifiers: Orphanet 91387, MedGen C4707243, MONDO:0019625.

Submission:

Ambry Genetics
Classification: Uncertain significance for Familial thoracic aortic aneurysm and aortic dissection. Last evaluated: 2023-08-21. Review status: criteria provided, single submitter. Criteria: Ambry Variant Classification Scheme 2023. Collection method: clinical testing. Allele origin: germline.
Comment: The p.K381N variant (also known as c.1143G>C), located in coding exon 4 of the TGFBR2 gene, results from a G to C substitution at nucleotide position 1143. The lysine at codon 381 is replaced by asparagine, an amino acid with some similar properties. This amino acid position is highly conserved in available vertebrate species. In addition, this alteration is predicted to be deleterious by in silico analysis. Since supporting evidence is limited at this time, the clinical significance of this alteration remains unclear.